The following is an entry in ClinVar:

NM_032444.4(SLX4):c.2756C>T (p.Thr919Ile)

Gene: SLX4 (SLX4 structure-specific endonuclease subunit; minus strand). Cytogenetic location: 16p13.3.
Variant type: single nucleotide variant.
Coding change: c.2756C>T on transcript NM_032444.4 (MANE Select); coding-DNA position 2756, C replaced by T.
Protein change: p.Thr919Ile; replaces threonine 919 with isoleucine.
Molecular consequence: missense variant.
Genome position (GRCh38, 1-based): chr16:3,590,882, G>A on the plus strand (C>T on the coding strand, the complement: SLX4 is on the minus strand). VCF-style: chr16-3590882-G-A. GRCh37 (hg19) VCF-style: chr16-3640883-G-A.
Other names: c.2756C>T (LRG_503t1, NM_032444.3); short protein forms T919I.
Identifiers: ClinVar variation 407922 (VCV000407922.22), dbSNP rs145533919, ClinGen allele CA7866078.
Genomic context (GRCh38, chr16:3,590,882, plus strand): 5'-CGTGCCCCTGAGTGCTGGCCCTGGGGTGGCGGGAGAGCGCACTGTCCCATCTTCTCCCAG[G>A]TGGTGGCGGCCTCATCTCTTCCTGGCTCCAACGGCTCCATCTCCTCCACCTTGTCCCACT-3'
Protein context (NP_115820.2, residues 909-929): LEPGRDEAAT[Thr919Ile]WEKMGQCALP

ClinVar aggregate classification (germline): Conflicting classifications of pathogenicity. Review status: criteria provided, conflicting classifications (1 of 4 stars). 9 submissions from 9 submitters: Uncertain significance (6); Likely benign (3). Last evaluated 2026-08-06.

Conditions:
Monogenic short statue.
SLX4-related disorder. Also called: SLX4-related condition.
Inborn genetic diseases. Identifiers: MedGen C0950123, MeSH D030342.
Fanconi anemia (FA). Also called: Fanconi's anemia. Identifiers: Orphanet 84, MedGen C0015625, MeSH D005199, MONDO:0019391.

Allele frequency attached by ClinVar (database versions not stated): gnomAD exomes 0.00004 and 0.00013; ExAC 0.00017; 1000 Genomes Project 0.00020; 1000 Genomes Project 30x 0.00031; gnomAD 0.00048 and 0.00052; TOPMed 0.00048; ESP Exome Variant Server 0.00069.
gnomAD v4.1: 134 of 1,614,058 alleles (0.0083%); highest among the groups gnomAD compares: African/African-American, 0.16%; 1 homozygote.

Submissions (9):

NHS Central & South Genomic Laboratory Hub
Classification: Uncertain significance for Monogenic short statue. Last evaluated: 2026-08-06. Review status: criteria provided, single submitter. Criteria: ACMG Guidelines, 2015. Collection method: clinical testing. Allele origin: germline. Affected: yes.

PreventionGenetics, part of Exact Sciences
Classification: Likely benign for SLX4-related condition. Last evaluated: 2026-03-01. Review status: criteria provided, single submitter. Criteria: ACMG Guidelines, 2015. Collection method: clinical testing. Allele origin: germline.
Comment: This variant is classified as likely benign based on ACMG/AMP sequence variant interpretation guidelines (Richards et al. 2015 PMID: 25741868, with internal and published modifications).

Labcorp Genetics (formerly Invitae), Labcorp
Classification: Likely benign for Fanconi anemia. Last evaluated: 2025-12-19. Review status: criteria provided, single submitter. Criteria: Invitae Variant Classification Sherloc (09022015). Collection method: clinical testing. Allele origin: germline.

Women's Health and Genetics/Laboratory Corporation of America, LabCorp
Classification: Uncertain significance. Last evaluated: 2025-11-21. Review status: criteria provided, single submitter. Criteria: LabCorp Variant Classification Summary - May 2015. Collection method: clinical testing. Allele origin: germline.
Comment: Variant summary: SLX4 c.2756C>T (p.Thr919Ile) results in a non-conservative amino acid change in the encoded protein sequence. Algorithms developed to predict the effect of missense changes on protein structure and function are either unavailable or do not agree on the potential impact of this missense change. The variant allele was found at a frequency of 0.00013 in 251478 control chromosomes. This frequency is not significantly higher than estimated for disease-causing variants in SLX4, allowing no conclusion about variant significance. To our knowledge, no occurrence of c.2756C>T in individuals affected with SLX4-related conditions and no experimental evidence demonstrating its impact on protein function have been reported. ClinVar contains an entry for this variant (Variation ID: 407922). Based on the evidence outlined above, the variant was classified as uncertain significance.

GeneDx
Classification: Uncertain significance. Last evaluated: 2025-09-27. Review status: criteria provided, single submitter. Criteria: GeneDx Variant Classification Process June 2021. Collection method: clinical testing. Allele origin: germline. Affected: yes.
Comment: In silico analysis suggests that this missense variant does not alter protein structure/function; Has not been previously published as pathogenic or benign to our knowledge; This variant is associated with the following publications: (PMID: 36125633)

Blueprint Genetics
Classification: Likely benign. Last evaluated: 2024-11-13. Review status: criteria provided, single submitter. Criteria: ACMG Guidelines, 2015. Collection method: clinical testing. Allele origin: germline.

Ambry Genetics
Classification: Uncertain significance for Inborn genetic diseases. Last evaluated: 2022-02-10. Review status: criteria provided, single submitter. Criteria: Ambry Variant Classification Scheme 2023. Collection method: clinical testing. Allele origin: germline.

Sema4
Classification: Uncertain significance for Fanconi anemia. Last evaluated: 2022-01-04. Review status: criteria provided, single submitter. Criteria: Sema4 Curation Guidelines. Collection method: curation. Allele origin: germline.
Comment: The SLX4 c.2756C>T (p.T919I) variant has not been reported in the literature to our knowledge. It was observed in 45/24954 chromosomes of the African/African American subpopulation in the large and broad cohorts of the Genome Aggregation Database (PMID: 32461654). The variant has been reported in ClinVar (Variation ID 407922). In silico tools suggest the impact of the variant on protein function is benign, though these predictions have not been confirmed by functional studies. The evidence is insufficient to meet ACMG/AMP criteria for classifying the variant as benign or pathogenic. Thus, the clinical significance of this variant is currently uncertain.

Genetic Services Laboratory, University of Chicago
Classification: Uncertain significance. Last evaluated: 2018-03-06. Review status: criteria provided, single submitter. Criteria: ACMG Guidelines, 2015. Collection method: clinical testing. Allele origin: germline. Affected: no.